The following is an entry in ClinVar:

NM_000080.4(CHRNE):c.1021C>T (p.Arg341Trp)

Gene: CHRNE (cholinergic receptor nicotinic epsilon subunit; minus strand). Cytogenetic location: 17p13.2.
Variant type: single nucleotide variant.
Coding change: c.1021C>T on transcript NM_000080.4 (MANE Select); coding-DNA position 1021, C replaced by T.
Protein change: p.Arg341Trp; replaces arginine 341 with tryptophan.
Molecular consequence: missense variant.
Genome position (GRCh38, 1-based): chr17:4,899,479, G>A on the plus strand (C>T on the coding strand, the complement: CHRNE is on the minus strand). VCF-style: chr17-4899479-G-A. GRCh37 (hg19) VCF-style: chr17-4802774-G-A.
Other names: c.1021C>T, p.Arg341Trp (LRG_1254t1); short protein forms R341W.
Identifiers: ClinVar variation 657553 (VCV000657553.5), dbSNP rs1597615227, ClinGen allele CA397300799.
Genomic context (GRCh38, chr17:4,899,479, plus strand): 5'-GTACGAAGCCCCACCCCGACCCGGGCTGCACCGCCCCCTCCGCGCTTACGTGGCGCAGCC[G>A]CGGGGACATGGCGTGGGTGGTGGGCGTCCGCTGGGACACGTTGAGCACGATGACGCAATT-3'
Protein context (NP_000071.1, residues 331-351): RTPTTHAMSP[Arg341Trp]LRHVLLELLP

ClinVar aggregate classification (germline): Uncertain significance. Review status: criteria provided, single submitter (1 of 4 stars). 2 submissions from 2 submitters: Uncertain significance (1). 1 of the submissions does not count toward it. Last evaluated 2022-07-06.

Conditions:
Congenital myasthenic syndrome (CMS). Also called: Congenital Myasthenic Syndromes. Identifiers: Orphanet 590, MedGen C0751882, MeSH D020294, MONDO:0018940.
Congenital myasthenic syndrome 4A. Also called: Myasthenic syndrome, congenital, 4a, slow-channel; MYASTHENIC SYNDROME, CONGENITAL, 4A, SLOW-CHANNEL, AUTOSOMAL RECESSIVE; CONGENITAL MYASTHENIC SYNDROME TYPE Ia1. Identifiers: Orphanet 590, MedGen C4225413, MONDO:0011600, OMIM 605809.

Allele frequency attached by ClinVar (database versions not stated): gnomAD exomes below 0.00001.
gnomAD v4.1: 3 of 1,596,154 alleles (0.00019%); highest among the groups gnomAD compares: African/African-American, 0.0013%; no homozygotes.

Submissions (2):

Labcorp Genetics (formerly Invitae), Labcorp
Classification: Uncertain significance for Congenital myasthenic syndrome 4A. Last evaluated: 2022-07-06. Review status: criteria provided, single submitter. Criteria: Invitae Variant Classification Sherloc (09022015). Collection method: clinical testing. Allele origin: germline.
Comment: In summary, the available evidence is currently insufficient to determine the role of this variant in disease. Therefore, it has been classified as a Variant of Uncertain Significance. Advanced modeling of protein sequence and biophysical properties (such as structural, functional, and spatial information, amino acid conservation, physicochemical variation, residue mobility, and thermodynamic stability) performed at Invitae indicates that this missense variant is not expected to disrupt CHRNE protein function. ClinVar contains an entry for this variant (Variation ID: 657553). This variant has not been reported in the literature in individuals affected with CHRNE-related conditions. This variant is not present in population databases (gnomAD no frequency). This sequence change replaces arginine, which is basic and polar, with tryptophan, which is neutral and slightly polar, at codon 341 of the CHRNE protein (p.Arg341Trp).

Natera, Inc.
Classification: Uncertain significance for Congenital myasthenic syndrome. Last evaluated: 2021-09-27. Review status: no assertion criteria provided. Collection method: clinical testing. Allele origin: germline. Not counted in ClinVar's aggregate classification.